The following is an entry in ClinVar:

ClinVar aggregate classification (germline): Pathogenic. Review status: criteria provided, multiple submitters, no conflicts (2 of 4 stars). 5 submissions from 5 submitters: Pathogenic (5). Last evaluated 2024-05-01.

Conditions:
Classic or attenuated familial adenomatous polyposis. Identifiers: MedGen CN372698, MONDO:0021057.
Familial adenomatous polyposis 1 (FAP1). Also called: FAMILIAL ADENOMATOUS POLYPOSIS 1, ATTENUATED; POLYPOSIS, ADENOMATOUS INTESTINAL. Identifiers: MedGen C2713442, MONDO:0021056, OMIM 175100. Disease mechanism: loss of function.
Hereditary cancer-predisposing syndrome. Also called: Neoplastic Syndromes, Hereditary; Tumor predisposition; Hereditary neoplastic syndrome; Hereditary Cancer Syndrome. Identifiers: Orphanet 140162, MedGen C0027672, MeSH D009386, MONDO:0015356.

Submissions (5):

Department of Pathology and Laboratory Medicine, Sinai Health System
Classification: Pathogenic for classic or attenuated familial adenomatous polyposis. Last evaluated: 2024-05-01. Review status: criteria provided, single submitter. Criteria: ACMG Guidelines, 2015. Collection method: clinical testing. Allele origin: germline. Affected: yes.

Myriad Genetics, Inc.
Classification: Pathogenic for Familial adenomatous polyposis 1. Last evaluated: 2023-05-04. Review status: criteria provided, single submitter. Criteria: Myriad Autosomal Dominant, Autosomal Recessive and X-Linked Classification Criteria (2023). Collection method: clinical testing. Allele origin: unknown.
Comment: This variant is considered pathogenic. This variant creates a termination codon and is predicted to result in premature protein truncation.

Institute of Human Genetics, University of Leipzig Medical Center
Classification: Pathogenic for Familial adenomatous polyposis 1. Last evaluated: 2022-10-24. Review status: criteria provided, single submitter. Criteria: ACMG Guidelines, 2015. Collection method: clinical testing. Allele origin: unknown. Affected: yes.
Comment: _x000D_ Criteria applied: PVS1, PS4_MOD, PM2_SUP

Ambry Genetics
Classification: Pathogenic for Hereditary cancer-predisposing syndrome. Last evaluated: 2022-09-08. Review status: criteria provided, single submitter. Criteria: Ambry Variant Classification Scheme 2023. Collection method: clinical testing. Allele origin: germline.
Comment: The p.Q767* pathogenic mutation (also known as c.2299C>T), located in coding exon 15 of the APC gene, results from a C to T substitution at nucleotide position 2299. This changes the amino acid from a glutamine to a stop codon within coding exon 15. This mutation has been identified in multiple individuals with a clinical diagnosis of Familial Adenomatous Polyposis (FAP) (Aceto G et al. Hum. Mutat. 2005 Oct;26:394; Friedl W et al. Hered Cancer Clin Pract. 2005 Sep;3:95-114; Lagarde A et al. J. Med. Genet. 2010 Oct;47:721-2). In addition to the clinical data presented in the literature, this alteration is expected to result in loss of function by premature protein truncation. As such, this alteration is interpreted as a disease-causing mutation.

Labcorp Genetics (formerly Invitae), Labcorp
Classification: Pathogenic for Familial adenomatous polyposis 1. Last evaluated: 2020-02-11. Review status: criteria provided, single submitter. Criteria: Invitae Variant Classification Sherloc (09022015). Collection method: clinical testing. Allele origin: germline.
Comment: For these reasons, this variant has been classified as Pathogenic. Several different truncations downstream of this variant (p.Ser932*, p.Ala1050Glufs*6, p.Gln1062*) that lie downstream of this variant have been determined to be pathogenic (PMID: 20685668, 23460355, 15771908, 20649969, 8730280, 19531215). This suggests that deletion of this region of the APC protein is causative of disease. This variant has been reported in individuals affected with familial adenomatous polyposis (PMID: 9476377, 16134147, 20685668). This variant is not present in population databases (ExAC no frequency). This sequence change results in a premature translational stop signal in the APC gene (p.Gln767*). While this is not anticipated to result in nonsense mediated decay, it is expected to delete the last 2077 amino acids of the APC protein.

Literature cited by the submitters: PubMed 16134147 (cited by 3 submitters); PubMed 20223039 (cited by Department of Pathology and Laboratory Medicine, Sinai Health System and Ambry Genetics); PubMed 20685668 (cited by 3 submitters); PubMed 23460355 (cited by Labcorp Genetics (formerly Invitae), Labcorp); PubMed 15771908 (cited by Labcorp Genetics (formerly Invitae), Labcorp); PubMed 20649969 (cited by Labcorp Genetics (formerly Invitae), Labcorp); PubMed 8730280 (cited by Labcorp Genetics (formerly Invitae), Labcorp); PubMed 19531215 (cited by Labcorp Genetics (formerly Invitae), Labcorp); PubMed 9476377 (cited by Labcorp Genetics (formerly Invitae), Labcorp).

NM_000038.6(APC):c.2299C>T (p.Gln767Ter)

Gene: APC (APC regulator of Wnt signaling pathway; plus strand). Cytogenetic location: 5q22.2.
Variant type: single nucleotide variant.
Coding change: c.2299C>T on transcript NM_000038.6 (MANE Select); coding-DNA position 2299, C replaced by T.
Protein change: p.Gln767Ter; replaces glutamine 767 with a stop codon.
Molecular consequence: nonsense.
Genome position (GRCh38, 1-based): chr5:112,837,893, C>T. VCF-style: chr5-112837893-C-T. GRCh37 (hg19) VCF-style: chr5-112173590-C-T.
Other names: c.2299C>T, p.Gln767Ter (NM_001127510.3, NM_001354895.2); c.2245C>T, p.Gln749Ter (NM_001127511.3); c.2353C>T, p.Gln785Ter (NM_001354896.2); c.2329C>T, p.Gln777Ter (NM_001354897.2); c.2224C>T, p.Gln742Ter (NM_001354898.2); c.2215C>T, p.Gln739Ter (NM_001354899.2); c.2176C>T, p.Gln726Ter (NM_001354900.2); c.2122C>T, p.Gln708Ter (NM_001354901.2); and 5 more; short protein forms Q767*, Q749*, Q607*, Q641*, Q666*, Q676*, Q726*, Q708*.
Identifiers: ClinVar variation 567334 (VCV000567334.15), dbSNP rs1561575998, ClinGen allele CA16026370.